The following is an entry in ClinVar:

NM_000016.6(ACADM):c.1225C>T (p.Leu409Phe)

Gene: ACADM (acyl-CoA dehydrogenase medium chain; plus strand). Cytogenetic location: 1p31.1.
Variant type: single nucleotide variant.
Coding change: c.1225C>T on transcript NM_000016.6 (MANE Select); coding-DNA position 1225, C replaced by T.
Protein change: p.Leu409Phe; replaces leucine 409 with phenylalanine.
Molecular consequence: missense variant.
Genome position (GRCh38, 1-based): chr1:75,762,722, C>T. VCF-style: chr1-75762722-C-T. GRCh37 (hg19) VCF-style: chr1-76228407-C-T.
Other names: c.1237C>T, p.Leu413Phe (NM_001127328.3); c.1117C>T, p.Leu373Phe (NM_001286042.2); c.1324C>T, p.Leu442Phe (NM_001286043.2); c.658C>T, p.Leu220Phe (NM_001286044.2); short protein forms L220F, L373F, L409F, L413F, L442F.
Identifiers: ClinVar variation 4817541 (VCV004817541.1).

ClinVar aggregate classification (germline): Likely pathogenic (1 of 4 stars; one submission).

Conditions:
Medium-chain acyl-coenzyme A dehydrogenase deficiency (ACADMD). Also called: ACADM DEFICIENCY; CARNITINE DEFICIENCY SECONDARY TO MEDIUM-CHAIN ACYL-CoA DEHYDROGENASE DEFICIENCY; Medium chain acyl-CoA dehydrogenase deficiency; MCADH DEFICIENCY; MCADD; MCAD Deficiency. Identifiers: Orphanet 42, MedGen C0220710, MONDO:0008721, OMIM 201450.

gnomAD v4.1: 1 of 1,608,100 alleles (0.000062%); highest among the groups gnomAD compares: Non-Finnish European, 0.000085%; no homozygotes.

Submission:

Natera, Inc.
Classification: Likely pathogenic for Medium Chain Acyl-CoA Dehydrogenase Deficiency. Last evaluated: 2025-02-10. Review status: criteria provided, single submitter. Criteria: Natera Variant Classification Schema (03/2026). Collection method: clinical testing. Allele origin: germline.
Comment: The c.1225C>T variant in ACADM is a missense variant predicted to cause substitution of leucine to phenylalanine at amino acid 409. This variant is rare in the general population with a frequency below the threshold expected for the associated phenotype(s). This variant has been observed in one or more individuals affected with the associated recessive disease, as either homozygous or compound heterozygous with a second variant (PMID: 23028790). This variant has been identified in one or more affected individuals with a phenotype highly consistent with the associated gene (PMID: 23028790). Computational prediction algorithms indicate this variant is likely to affect gene or protein function. Given the available evidence, this variant is classified as Likely Pathogenic.

Literature cited by the submitters: PubMed 23028790.